The following is an entry in ClinVar:

ClinVar aggregate classification (germline): Uncertain significance (1 of 4 stars; one submission).

Conditions:
Bardet-Biedl syndrome (BBS). Identifiers: Orphanet 110, MedGen C0752166, MONDO:0015229.

Submission:

Labcorp Genetics (formerly Invitae), Labcorp
Classification: Uncertain significance for Bardet-Biedl syndrome. Last evaluated: 2022-05-03. Review status: criteria provided, single submitter. Criteria: Invitae Variant Classification Sherloc (09022015). Collection method: clinical testing. Allele origin: germline.
Comment: This sequence change falls in intron 8 of the WDPCP gene. It does not directly change the encoded amino acid sequence of the WDPCP protein. This variant is not present in population databases (gnomAD no frequency). This variant has not been reported in the literature in individuals affected with WDPCP-related conditions. Algorithms developed to predict the effect of sequence changes on RNA splicing suggest that this variant may disrupt the consensus splice site. In summary, the available evidence is currently insufficient to determine the role of this variant in disease. Therefore, it has been classified as a Variant of Uncertain Significance.

NM_015910.7(WDPCP):c.634-7T>G

Gene: WDPCP (WD repeat containing planar cell polarity effector; minus strand). Cytogenetic location: 2p15.
Variant type: single nucleotide variant.
Coding change: c.634-7T>G on transcript NM_015910.7 (MANE Select); 7 bases into the intron before coding-DNA position 634, T replaced by G.
Molecular consequence: intron variant.
Genome position (GRCh38, 1-based): chr2:63,433,943, A>C on the plus strand (T>G on the coding strand, the complement: WDPCP is on the minus strand). VCF-style: chr2-63433943-A-C. GRCh37 (hg19) VCF-style: chr2-63661077-A-C.
Other names: c.562-7T>G (NM_001354044.2); c.157-7T>G (NM_001042692.3); c.634-7T>G (NM_001354045.2).
Identifiers: ClinVar variation 2132753 (VCV002132753.4), dbSNP rs2466933026, ClinGen allele CA2580067620.